The following is an entry in ClinVar:

ClinVar aggregate classification (germline): Uncertain significance. Review status: criteria provided, multiple submitters, no conflicts (2 of 4 stars). 3 submissions from 3 submitters: Uncertain significance (3). Last evaluated 2025-09-20.

Conditions:
Hereditary cancer-predisposing syndrome. Also called: Hereditary Cancer Syndrome; Neoplastic Syndromes, Hereditary; Hereditary neoplastic syndrome; Tumor predisposition. Identifiers: Orphanet 140162, MedGen C0027672, MeSH D009386, MONDO:0015356.
POLD1-related polyposis and colorectal cancer syndrome (CRCS10). Also called: COLORECTAL CANCER, SUSCEPTIBILITY TO, ON CHROMOSOME 19q; Colorectal cancer 10; Colorectal cancer, susceptibility to, 10. Identifiers: Orphanet 220460, MedGen C2675481, MONDO:0012953, OMIM 612591.

Allele frequency attached by ClinVar (database versions not stated): ExAC 0.00001; gnomAD exomes 0.00001; gnomAD 0.00001.

Submissions (3):

Ambry Genetics
Classification: Uncertain significance for Hereditary cancer-predisposing syndrome. Last evaluated: 2025-09-20. Review status: criteria provided, single submitter. Criteria: Ambry Variant Classification Scheme 2023. Collection method: clinical testing. Allele origin: germline.
Comment: The p.R177C variant (also known as c.529C>T), located in coding exon 4 of the POLD1 gene, results from a C to T substitution at nucleotide position 529. The arginine at codon 177 is replaced by cysteine, an amino acid with highly dissimilar properties. This amino acid position is conserved. In addition, this alteration is predicted to be tolerated by in silico analysis. Since supporting evidence is limited at this time, the clinical significance of this alteration remains unclear.

Labcorp Genetics (formerly Invitae), Labcorp
Classification: Uncertain significance for POLD1-related polyposis and colorectal cancer syndrome. Last evaluated: 2025-09-16. Review status: criteria provided, single submitter. Criteria: Invitae Variant Classification Sherloc (09022015). Collection method: clinical testing. Allele origin: germline.
Comment: This sequence change replaces arginine, which is basic and polar, with cysteine, which is neutral and slightly polar, at codon 177 of the POLD1 protein (p.Arg177Cys). This variant is present in population databases (rs760402496, gnomAD 0.008%). This variant has not been reported in the literature in individuals affected with POLD1-related conditions. ClinVar contains an entry for this variant (Variation ID: 239353). An algorithm developed to predict the effect of missense changes on protein structure and function (PolyPhen-2) suggests that this variant is likely to be disruptive. In summary, the available evidence is currently insufficient to determine the role of this variant in disease. Therefore, it has been classified as a Variant of Uncertain Significance.

GeneDx
Classification: Uncertain significance. Last evaluated: 2024-04-03. Review status: criteria provided, single submitter. Criteria: GeneDx Variant Classification Process June 2021. Collection method: clinical testing. Allele origin: germline. Affected: yes.
Comment: Not observed at significant frequency in large population cohorts (gnomAD); In silico analysis supports that this missense variant has a deleterious effect on protein structure/function; Has not been previously published as pathogenic or benign to our knowledge; This variant is associated with the following publications: (PMID: 29056344)

NM_002691.4(POLD1):c.529C>T (p.Arg177Cys)

Gene: POLD1 (DNA polymerase delta 1, catalytic subunit; plus strand). Cytogenetic location: 19q13.33.
Variant type: single nucleotide variant.
Coding change: c.529C>T on transcript NM_002691.4 (MANE Select); coding-DNA position 529, C replaced by T.
Protein change: p.Arg177Cys; replaces arginine 177 with cysteine.
Molecular consequence: missense variant. On other transcripts: non-coding transcript variant (1).
Genome position (GRCh38, 1-based): chr19:50,402,064, C>T. VCF-style: chr19-50402064-C-T. GRCh37 (hg19) VCF-style: chr19-50905321-C-T.
Other names: c.529C>T, p.Arg177Cys (NM_001256849.1, NM_001308632.1); short protein forms R177C.
Identifiers: ClinVar variation 239353 (VCV000239353.16), dbSNP rs760402496, ClinGen allele CA9595776.